The following is an entry in ClinVar:

ClinVar aggregate classification (germline): Conflicting classifications of pathogenicity. Review status: criteria provided, conflicting classifications (1 of 4 stars). 2 submissions from 2 submitters: Uncertain significance (1); Likely benign (1). Last evaluated 2025-10-14.

Conditions:
Capillary malformation-arteriovenous malformation syndrome. Also called: Capillary malformation-arteriovenous malformation. Identifiers: Orphanet 137667, MedGen C1842180, MONDO:0012016.
Cardiovascular phenotype. Identifiers: MedGen CN230736.

Allele frequency attached by ClinVar (database versions not stated): ExAC 0.00006.
gnomAD v4.1: 22 of 1,613,226 alleles (0.0014%); highest among the groups gnomAD compares: African/African-American, 0.0027%; no homozygotes.

Submissions (2):

Labcorp Genetics (formerly Invitae), Labcorp
Classification: Uncertain significance for Capillary malformation-arteriovenous malformation syndrome. Last evaluated: 2025-10-14. Review status: criteria provided, single submitter. Criteria: Invitae Variant Classification Sherloc (09022015). Collection method: clinical testing. Allele origin: germline.
Comment: This sequence change replaces asparagine, which is neutral and polar, with aspartic acid, which is acidic and polar, at codon 888 of the RASA1 protein (p.Asn888Asp). This variant is present in population databases (rs201204842, gnomAD 0.009%). This variant has not been reported in the literature in individuals affected with RASA1-related conditions. ClinVar contains an entry for this variant (Variation ID: 2043186). An algorithm developed to predict the effect of missense changes on protein structure and function (PolyPhen-2) suggests that this variant is likely to be disruptive. In summary, the available evidence is currently insufficient to determine the role of this variant in disease. Therefore, it has been classified as a Variant of Uncertain Significance.

Ambry Genetics
Classification: Likely benign for Cardiovascular phenotype. Last evaluated: 2024-10-15. Review status: criteria provided, single submitter. Criteria: Ambry Variant Classification Scheme 2023. Collection method: clinical testing. Allele origin: germline.

NM_002890.3(RASA1):c.2662A>G (p.Asn888Asp)

Genes: CCNH (cyclin H; minus strand), RASA1 (RAS p21 protein activator 1; plus strand). Cytogenetic location: 5q14.3.
Variant type: single nucleotide variant.
Coding change: c.2662A>G on transcript NM_002890.3 (MANE Select); coding-DNA position 2662, A replaced by G.
Protein change: p.Asn888Asp; replaces asparagine 888 with aspartic acid.
Molecular consequence: missense variant. On other transcripts: intron variant (1).
Genome position (GRCh38, 1-based): chr5:87,380,567, A>G. VCF-style: chr5-87380567-A-G. GRCh37 (hg19) VCF-style: chr5-86676384-A-G.
Other names: c.2131A>G, p.Asn711Asp (NM_022650.3); c.933+14477T>C (NM_001364075.2); short protein forms N888D, N711D.
Identifiers: ClinVar variation 2043186 (VCV002043186.4), dbSNP rs201204842, ClinGen allele CA3336054.